The following is an entry in ClinVar:

NM_025114.4(CEP290):c.5263A>G (p.Met1755Val)

Gene: CEP290 (centrosomal protein 290; minus strand). Cytogenetic location: 12q21.32.
Variant type: single nucleotide variant.
Coding change: c.5263A>G on transcript NM_025114.4 (MANE Select); coding-DNA position 5263, A replaced by G.
Protein change: p.Met1755Val; replaces methionine 1755 with valine.
Molecular consequence: missense variant.
Genome position (GRCh38, 1-based): chr12:88,079,193, T>C on the plus strand (A>G on the coding strand, the complement: CEP290 is on the minus strand). VCF-style: chr12-88079193-T-C. GRCh37 (hg19) VCF-style: chr12-88472970-T-C.
Other names: short protein forms M1755V.
Identifiers: ClinVar variation 2924082 (VCV002924082.3), dbSNP rs1276102857, ClinGen allele CA385990654.

ClinVar aggregate classification (germline): Uncertain significance (1 of 4 stars; one submission).

Conditions:
Joubert syndrome. Also called: CEREBELLOPARENCHYMAL DISORDER IV; JOUBERT-BOLTSHAUSER SYNDROME; Familial aplasia of the vermis. Identifiers: Orphanet 475, MedGen C5979921, MONDO:0018772.
Nephronophthisis. Also called: Juvenile Nephronophthisis. Identifiers: Orphanet 655, MedGen C0687120, MONDO:0019005, HP:0000090.
Meckel-Gruber syndrome. Also called: DYSENCEPHALIA SPLANCHNOCYSTICA; GRUBER SYNDROME; Dysencephalia splachnocystica. Identifiers: Orphanet 564, MedGen C0265215, MONDO:0018921.

Allele frequency attached by ClinVar (database versions not stated): gnomAD exomes below 0.00001.

Submission:

Labcorp Genetics (formerly Invitae), Labcorp
Classification: Uncertain significance for Joubert syndrome; Meckel-Gruber syndrome; Nephronophthisis. Last evaluated: 2022-11-15. Review status: criteria provided, single submitter. Criteria: Invitae Variant Classification Sherloc (09022015). Collection method: clinical testing. Allele origin: germline.
Comment: This variant is present in population databases (no rsID available, gnomAD 0.0009%). In summary, the available evidence is currently insufficient to determine the role of this variant in disease. Therefore, it has been classified as a Variant of Uncertain Significance. Advanced modeling of protein sequence and biophysical properties (such as structural, functional, and spatial information, amino acid conservation, physicochemical variation, residue mobility, and thermodynamic stability) performed at Invitae indicates that this missense variant is expected to disrupt CEP290 protein function. This variant has not been reported in the literature in individuals affected with CEP290-related conditions. This sequence change replaces methionine, which is neutral and non-polar, with valine, which is neutral and non-polar, at codon 1755 of the CEP290 protein (p.Met1755Val).